The following is an entry in ClinVar:

ClinVar aggregate classification (germline): Uncertain significance (1 of 4 stars; one submission).

gnomAD v4.1: 18 of 1,614,050 alleles (0.0011%); highest among the groups gnomAD compares: African/African-American, 0.021%; no homozygotes.

Submission:

GeneDx
Classification: Uncertain significance. Last evaluated: 2025-02-08. Review status: criteria provided, single submitter. Criteria: GeneDx Variant Classification Process June 2021. Collection method: clinical testing. Allele origin: germline. Affected: yes.
Comment: Has not been previously published as pathogenic or benign to our knowledge; In silico analysis indicates that this missense variant does not alter protein structure/function

NM_001256071.3(RNF213):c.2316G>T (p.Met772Ile)

Gene: RNF213 (ring finger protein 213; plus strand). Cytogenetic location: 17q25.3.
Variant type: single nucleotide variant.
Coding change: c.2316G>T on transcript NM_001256071.3 (MANE Select); coding-DNA position 2316, G replaced by T.
Protein change: p.Met772Ile; replaces methionine 772 with isoleucine.
Molecular consequence: missense variant.
Genome position (GRCh38, 1-based): chr17:80,306,357, G>T. VCF-style: chr17-80306357-G-T. GRCh37 (hg19) VCF-style: chr17-78280157-G-T.
Other names: c.2463G>T, p.Met821Ile (NM_001410195.1, NM_020914.5); c.2316G>T, p.Met772Ile (NM_020954.4); short protein forms M772I, M821I.
Identifiers: ClinVar variation 4074713 (VCV004074713.1).